The following is an entry in ClinVar:

ClinVar aggregate classification (germline): Uncertain significance (1 of 4 stars; one submission).

Conditions:
Alpha thalassemia-X-linked intellectual disability syndrome (ATRX). Also called: ALPHA-THALASSEMIA/MENTAL RETARDATION SYNDROME, X-LINKED; ATR, NONDELETION TYPE; ATR-X syndrome; Alpha thalassemia mental retardation syndrome, nondeletion type, X-linked; XLMR hypotonic face syndrome; X-linked alpha-thalassemia-mental retardation syndrome. Identifiers: Orphanet 847, MedGen C1845055, MONDO:0010519, OMIM 301040.

Submission:

Labcorp Genetics (formerly Invitae), Labcorp
Classification: Uncertain significance for Alpha thalassemia-X-linked intellectual disability syndrome. Last evaluated: 2024-05-17. Review status: criteria provided, single submitter. Criteria: Invitae Variant Classification Sherloc (09022015). Collection method: clinical testing. Allele origin: germline.
Comment: This sequence change replaces proline, which is neutral and non-polar, with leucine, which is neutral and non-polar, at codon 909 of the ATRX protein (p.Pro909Leu). This variant is not present in population databases (gnomAD no frequency). This variant has not been reported in the literature in individuals affected with ATRX-related conditions. ClinVar contains an entry for this variant (Variation ID: 2066818). Advanced modeling of protein sequence and biophysical properties (such as structural, functional, and spatial information, amino acid conservation, physicochemical variation, residue mobility, and thermodynamic stability) performed at Invitae indicates that this missense variant is not expected to disrupt ATRX protein function with a negative predictive value of 95%. In summary, the available evidence is currently insufficient to determine the role of this variant in disease. Therefore, it has been classified as a Variant of Uncertain Significance.

NM_000489.6(ATRX):c.2726C>T (p.Pro909Leu)

Gene: ATRX (ATRX chromatin remodeler; minus strand). Cytogenetic location: Xq21.1.
Variant type: single nucleotide variant.
Coding change: c.2726C>T on transcript NM_000489.6 (MANE Select); coding-DNA position 2726, C replaced by T.
Protein change: p.Pro909Leu; replaces proline 909 with leucine.
Molecular consequence: missense variant.
Genome position (GRCh38, 1-based): chrX:77,682,530, G>A on the plus strand (C>T on the coding strand, the complement: ATRX is on the minus strand). VCF-style: chrX-77682530-G-A. GRCh37 (hg19) VCF-style: chrX-76938022-G-A.
Other names: c.2612C>T, p.Pro871Leu (NM_138270.5); short protein forms P871L, P909L.
Identifiers: ClinVar variation 2066818 (VCV002066818.4), dbSNP rs2148590243, ClinGen allele CA413710821.